The following is an entry in ClinVar:

NM_004147.4(DRG1):c.37G>A (p.Ala13Thr)

Gene: DRG1 (developmentally regulated GTP binding protein 1; plus strand). Cytogenetic location: 22q12.2.
Variant type: single nucleotide variant.
Coding change: c.37G>A on transcript NM_004147.4 (MANE Select); coding-DNA position 37, G replaced by A.
Protein change: p.Ala13Thr; replaces alanine 13 with threonine.
Molecular consequence: missense variant.
Genome position (GRCh38, 1-based): chr22:31,399,720, G>A. VCF-style: chr22-31399720-G-A. GRCh37 (hg19) VCF-style: chr22-31795706-G-A.
Other names: short protein forms A13T.
Identifiers: ClinVar variation 5035585 (VCV005035585.1).

ClinVar aggregate classification (germline): Uncertain significance (1 of 4 stars; one submission).

gnomAD v4.1: 27 of 1,613,886 alleles (0.0017%); highest among the groups gnomAD compares: Non-Finnish European, 0.0022%; no homozygotes.

Submission:

Ambry Genetics
Classification: Uncertain significance. Last evaluated: 2026-07-19. Review status: criteria provided, single submitter. Criteria: Ambry Variant Classification Scheme 2023. Collection method: clinical testing. Allele origin: germline.
Comment: The c.37G>A (p.A13T) alteration is located in exon 1 (coding exon 1) of the DRG1 gene. This alteration results from a G to A substitution at nucleotide position 37, causing the alanine (A) at amino acid position 13 to be replaced by a threonine (T). Based on data from gnomAD, the A allele has an overall frequency of 0.002% (5/251166) total alleles studied. The highest observed frequency was 0.004% (5/113454) of European (non-Finnish) alleles. Based on insufficient or conflicting evidence, the clinical significance of this alteration remains unclear.